The following is an entry in ClinVar:

NM_001128840.3(CACNA1D):c.4448A>G (p.Asp1483Gly)

Gene: CACNA1D (calcium voltage-gated channel subunit alpha1 D; plus strand). Cytogenetic location: 3p21.1.
Variant type: single nucleotide variant.
Coding change: c.4448A>G on transcript NM_001128840.3 (MANE Select); coding-DNA position 4448, A replaced by G.
Protein change: p.Asp1483Gly; replaces aspartic acid 1483 with glycine.
Molecular consequence: missense variant.
Genome position (GRCh38, 1-based): chr3:53,776,688, A>G. VCF-style: chr3-53776688-A-G. GRCh37 (hg19) VCF-style: chr3-53810715-A-G.
Other names: c.4508A>G, p.Asp1503Gly (NM_000720.4); c.4403A>G, p.Asp1468Gly (NM_001128839.3); short protein forms D1468G, D1483G, D1503G.
Identifiers: ClinVar variation 4803804 (VCV004803804.1).

ClinVar aggregate classification (germline): Uncertain significance (1 of 4 stars; one submission).

gnomAD v4.1: 2 of 1,614,254 alleles (0.00012%); highest among the groups gnomAD compares: Non-Finnish European, 0.000085%; no homozygotes.

Submission:

Labcorp Genetics (formerly Invitae), Labcorp
Classification: Uncertain significance. Last evaluated: 2025-03-20. Review status: criteria provided, single submitter. Criteria: Invitae Variant Classification Sherloc (09022015). Collection method: clinical testing. Allele origin: germline.
Comment: This sequence change replaces aspartic acid, which is acidic and polar, with glycine, which is neutral and non-polar, at codon 1503 of the CACNA1D protein (p.Asp1503Gly). This variant is not present in population databases (gnomAD no frequency). This variant has not been reported in the literature in individuals affected with CACNA1D-related conditions. Invitae Evidence Modeling of protein sequence and biophysical properties (such as structural, functional, and spatial information, amino acid conservation, physicochemical variation, residue mobility, and thermodynamic stability) indicates that this missense variant is not expected to disrupt CACNA1D protein function with a negative predictive value of 80%. Algorithms developed to predict the effect of sequence changes on RNA splicing suggest that this variant may create or strengthen a splice site. In summary, the available evidence is currently insufficient to determine the role of this variant in disease. Therefore, it has been classified as a Variant of Uncertain Significance.